The following is an entry in ClinVar:

ClinVar aggregate classification (germline): Uncertain significance. Review status: criteria provided, single submitter (1 of 4 stars). 2 submissions from 2 submitters: Uncertain significance (1). 1 of the submissions does not count toward it. Last evaluated 2022-03-10.

Conditions:
Retinal dystrophy. Also called: Inherited retinal dystrophy. Identifiers: Orphanet 71862, MedGen C0854723, MeSH D058499, MONDO:0019118, HP:0000556.

Allele frequency attached by ClinVar (database versions not stated): gnomAD exomes below 0.00001.

Submissions (2):

Labcorp Genetics (formerly Invitae), Labcorp
Classification: Uncertain significance. Last evaluated: 2022-03-10. Review status: criteria provided, single submitter. Criteria: Invitae Variant Classification Sherloc (09022015). Collection method: clinical testing. Allele origin: germline.
Comment: In summary, the available evidence is currently insufficient to determine the role of this variant in disease. Therefore, it has been classified as a Variant of Uncertain Significance. Algorithms developed to predict the effect of missense changes on protein structure and function are either unavailable or do not agree on the potential impact of this missense change (SIFT: "Tolerated"; PolyPhen-2: "Possibly Damaging"; Align-GVGD: "Class C0"). ClinVar contains an entry for this variant (Variation ID: 1007077). This variant has not been reported in the literature in individuals affected with TUBGCP6-related conditions. This variant is present in population databases (no rsID available, gnomAD 0.0009%). This sequence change replaces histidine, which is basic and polar, with glutamine, which is neutral and polar, at codon 1718 of the TUBGCP6 protein (p.His1718Gln).

Institute of Human Genetics, Univ. Regensburg, Univ. Regensburg
Classification: Uncertain significance for Retinal dystrophy. Last evaluated: 2022-01-01. Review status: no assertion criteria provided. Criteria: ACMG Guidelines, 2015. Collection method: clinical testing. Allele origin: germline. Affected: yes. Not counted in ClinVar's aggregate classification.

NM_020461.4(TUBGCP6):c.5154C>G (p.His1718Gln)

Gene: TUBGCP6 (tubulin gamma complex component 6; minus strand). Cytogenetic location: 22q13.33.
Variant type: single nucleotide variant.
Coding change: c.5154C>G on transcript NM_020461.4 (MANE Select); coding-DNA position 5154, C replaced by G.
Protein change: p.His1718Gln; replaces histidine 1718 with glutamine.
Molecular consequence: missense variant.
Genome position (GRCh38, 1-based): chr22:50,218,203, G>C on the plus strand (C>G on the coding strand, the complement: TUBGCP6 is on the minus strand). VCF-style: chr22-50218203-G-C. GRCh37 (hg19) VCF-style: chr22-50656632-G-C.
Other names: short protein forms H1718Q.
Identifiers: ClinVar variation 1007077 (VCV001007077.11), dbSNP rs1351314150, ClinGen allele CA412163873.